The following is an entry in ClinVar:

NM_000051.4(ATM):c.2397A>G (p.Ala799=)

Gene: ATM (ATM serine/threonine kinase; plus strand). Cytogenetic location: 11q22.3.
Variant type: single nucleotide variant.
Coding change: c.2397A>G on transcript NM_000051.4 (MANE Select); coding-DNA position 2397, A replaced by G.
Protein change: p.Ala799=; no amino-acid change (alanine 799 retained).
Molecular consequence: synonymous variant.
Genome position (GRCh38, 1-based): chr11:108,259,006, A>G. VCF-style: chr11-108259006-A-G. GRCh37 (hg19) VCF-style: chr11-108129733-A-G.
Other names: c.2397A>G, p.Ala799= (NM_001351834.2).
Identifiers: ClinVar variation 414552 (VCV000414552.11), dbSNP rs1060504279, ClinGen allele CA16613090.

ClinVar aggregate classification (germline): Benign/Likely benign. Review status: criteria provided, multiple submitters, no conflicts (2 of 4 stars). 3 submissions from 3 submitters: Benign (1); Likely benign (2). Last evaluated 2025-01-06.

Conditions:
Hereditary cancer-predisposing syndrome. Also called: Tumor predisposition; Neoplastic Syndromes, Hereditary; Hereditary Cancer Syndrome; Hereditary neoplastic syndrome. Identifiers: Orphanet 140162, MedGen C0027672, MeSH D009386, MONDO:0015356.
Familial cancer of breast. Also called: Hereditary breast cancer; BREAST CANCER, FAMILIAL; hereditary breast carcinoma. Identifiers: Orphanet 227535, MedGen C0346153, MONDO:0016419, OMIM 114480. Disease mechanism: loss of function.
Ataxia-telangiectasia syndrome (AT). Also called: Ataxia-telangiectasia; Cerebello-oculocutaneous telangiectasia; Immunodeficiency with ataxia telangiectasia; ATAXIA-TELANGIECTASIA, COMPLEMENTATION GROUP A; ATAXIA-TELANGIECTASIA, FRESNO VARIANT; Ataxia-telangiectasia, complementation group D. Identifiers: Orphanet 100, MedGen C0004135, MONDO:0008840, OMIM 208900.

Allele frequency attached by ClinVar (database versions not stated): gnomAD exomes below 0.00001.
gnomAD v4.1: 2 of 1,613,716 alleles (0.00012%); highest among the groups gnomAD compares: Admixed American, 0.0017%; no homozygotes.

Submissions (3):

Labcorp Genetics (formerly Invitae), Labcorp
Classification: Likely benign for Ataxia-telangiectasia syndrome. Last evaluated: 2025-01-06. Review status: criteria provided, single submitter. Criteria: Invitae Variant Classification Sherloc (09022015). Collection method: clinical testing. Allele origin: germline.

Myriad Genetics, Inc.
Classification: Benign for Familial cancer of breast. Last evaluated: 2024-05-08. Review status: criteria provided, single submitter. Criteria: Myriad Autosomal Dominant, Autosomal Recessive and X-Linked Classification Criteria (2023). Collection method: clinical testing. Allele origin: unknown.
Comment: This variant is considered benign. This variant is a silent/synonymous amino acid change and it is not expected to impact splicing.

Ambry Genetics
Classification: Likely benign for Hereditary cancer-predisposing syndrome. Last evaluated: 2016-12-29. Review status: criteria provided, single submitter. Criteria: Ambry Variant Classification Scheme 2023. Collection method: clinical testing. Allele origin: germline.